The following is an entry in ClinVar:

ClinVar aggregate classification (germline): Conflicting classifications of pathogenicity. Review status: criteria provided, conflicting classifications (1 of 4 stars). 4 submissions from 4 submitters: Uncertain significance (2); Likely benign (2). Last evaluated 2025-08-12.

Conditions:
Hereditary nonpolyposis colorectal neoplasms. Identifiers: MedGen C0009405, MeSH D003123.
Hereditary cancer-predisposing syndrome. Also called: Tumor predisposition; Hereditary Cancer Syndrome; Hereditary neoplastic syndrome; Neoplastic Syndromes, Hereditary. Identifiers: Orphanet 140162, MedGen C0027672, MeSH D009386, MONDO:0015356.

Allele frequency attached by ClinVar (database versions not stated): TOPMed 0.00002.
gnomAD v4.1: 2 of 1,609,950 alleles (0.00012%); highest among the groups gnomAD compares: East Asian, 0.0022%; no homozygotes.

Submissions (4):

Color Diagnostics, LLC DBA Color Health
Classification: Likely benign for Hereditary cancer-predisposing syndrome. Last evaluated: 2025-08-12. Review status: criteria provided, single submitter. Criteria: ACMG Guidelines, 2015. Collection method: clinical testing. Allele origin: germline.

Labcorp Genetics (formerly Invitae), Labcorp
Classification: Uncertain significance for Hereditary nonpolyposis colorectal neoplasms. Last evaluated: 2024-11-02. Review status: criteria provided, single submitter. Criteria: Invitae Variant Classification Sherloc (09022015). Collection method: clinical testing. Allele origin: germline.
Comment: This sequence change replaces arginine, which is basic and polar, with glycine, which is neutral and non-polar, at codon 33 of the MSH6 protein (p.Arg33Gly). This variant is not present in population databases (gnomAD no frequency). This variant has not been reported in the literature in individuals affected with MSH6-related conditions. ClinVar contains an entry for this variant (Variation ID: 182653). Invitae Evidence Modeling of protein sequence and biophysical properties (such as structural, functional, and spatial information, amino acid conservation, physicochemical variation, residue mobility, and thermodynamic stability) indicates that this missense variant is not expected to disrupt MSH6 protein function with a negative predictive value of 95%. In summary, the available evidence is currently insufficient to determine the role of this variant in disease. Therefore, it has been classified as a Variant of Uncertain Significance.

Ambry Genetics
Classification: Likely benign for Hereditary cancer-predisposing syndrome. Last evaluated: 2024-10-29. Review status: criteria provided, single submitter. Criteria: Ambry Variant Classification Scheme 2023. Collection method: clinical testing. Allele origin: germline.

GeneDx
Classification: Uncertain significance. Last evaluated: 2014-07-03. Review status: criteria provided, single submitter. Criteria: GeneDx Variant Classification (06012015). Collection method: clinical testing. Allele origin: germline. Affected: yes.
Comment: This variant is denoted MSH6 c.97C>G at the cDNA level, p.Arg33Gly (R33G) at the protein level, and results in the change of an Arginine to a Glycine (CGT>GGT). This variant has not, to our knowledge, been published in the literature as pathogenic or benign. MSH6 Arg33Gly was not observed in approximately 6,500 individuals of European and African American ancestry in the NHLBI Exome Sequencing Project, indicating it is not a common benign variant in these populations. Since Arginine and Glycine differ in polarity, charge, size or other properties, this is considered a non-conservative amino acid substitution. MSH6 Arg33Gly occurs at a position that is highly variable across species and is not located in a known functional domain. In silico analyses predict that this variant is unlikely to alter protein structure or function. Based on currently available information, it is unclear whether MSH6 Arg33Gly is pathogenic or benign. We consider it to be a variant of uncertain significance.

NM_000179.3(MSH6):c.97C>G (p.Arg33Gly)

Gene: MSH6 (mutS homolog 6; plus strand). Cytogenetic location: 2p16.3.
Variant type: single nucleotide variant.
Coding change: c.97C>G on transcript NM_000179.3 (MANE Select); coding-DNA position 97, C replaced by G.
Protein change: p.Arg33Gly; replaces arginine 33 with glycine.
Molecular consequence: missense variant. On other transcripts: 5 prime UTR variant (1).
Genome position (GRCh38, 1-based): chr2:47,783,330, C>G. VCF-style: chr2-47783330-C-G. GRCh37 (hg19) VCF-style: chr2-48010469-C-G.
Other names: p.R33G:CGT>GGT; c.97C>G, p.Arg33Gly (NM_001281492.2); c.-640C>G (NM_001281493.2); short protein forms R33G.
Identifiers: ClinVar variation 182653 (VCV000182653.7), dbSNP rs730881811, ClinGen allele CA016727.
Genomic context (GRCh38, chr2:47,783,330, plus strand): 5'-AAGTCTCCGGCGCTGAGTGATGCCAACAAGGCCTCGGCCAGGGCCTCACGCGAAGGCGGC[C>G]GTGCCGCCGCTGCCCCCGGGGCCTCTCCTTCCCCAGGCGGGGATGCGGCCTGGAGCGAGG-3'
Protein context (NP_000170.1, residues 23-43): ASARASREGG[Arg33Gly]AAAAPGASPS